The following is an entry in ClinVar:

NM_020975.6(RET):c.289C>G (p.Leu97Val)

Gene: RET (ret proto-oncogene; plus strand). Cytogenetic location: 10q11.21.
Variant type: single nucleotide variant.
Coding change: c.289C>G on transcript NM_020975.6 (MANE Select); coding-DNA position 289, C replaced by G.
Protein change: p.Leu97Val; replaces leucine 97 with valine.
Molecular consequence: missense variant. On other transcripts: intron variant (4).
Genome position (GRCh38, 1-based): chr10:43,100,674, C>G. VCF-style: chr10-43100674-C-G. GRCh37 (hg19) VCF-style: chr10-43596122-C-G.
Other names: c.289C>G, p.Leu97Val (NM_000323.2, NM_001406743.1, NM_001406744.1 and 34 more transcripts); c.74-8357C>G (NM_001406784.1); c.74-11425C>G (NM_001406794.1, NM_001406792.1, NM_001406793.1); short protein forms L97V.
Identifiers: ClinVar variation 2568330 (VCV002568330.4), dbSNP rs2132663984, ClinGen allele CA376770497.

ClinVar aggregate classification (germline): Uncertain significance. Review status: criteria provided, multiple submitters, no conflicts (2 of 4 stars). 3 submissions from 3 submitters: Uncertain significance (3). Last evaluated 2023-09-18.

Conditions:
Hereditary cancer-predisposing syndrome. Also called: Hereditary neoplastic syndrome; Hereditary Cancer Syndrome; Neoplastic Syndromes, Hereditary; Tumor predisposition. Identifiers: Orphanet 140162, MedGen C0027672, MeSH D009386, MONDO:0015356.
Multiple endocrine neoplasia, type 2 (MEN2). Identifiers: Orphanet 653, MedGen C4048306, MONDO:0019003. Disease mechanism: gain of function.

Submissions (3):

All of Us Research Program, National Institutes of Health
Classification: Uncertain significance for Multiple endocrine neoplasia, type 2. Last evaluated: 2023-09-18. Review status: criteria provided, single submitter. Criteria: ACMG Guidelines, 2015. Collection method: clinical testing. Allele origin: germline. Inheritance: Autosomal dominant inheritance. Observed: 1 variant allele, 1 heterozygote.
Comment: This missense variant replaces leucine with valine at codon 97 of the RET protein. Computational prediction suggests that this variant may not impact protein structure and function (internally defined REVEL score threshold <= 0.5, PMID: 27666373). To our knowledge, functional studies have not been reported for this variant. This variant has not been reported in individuals affected with RET-related disorders in the literature. This variant has not been identified in the general population by the Genome Aggregation Database (gnomAD). The available evidence is insufficient to determine the role of this variant in disease conclusively. Therefore, this variant is classified as a Variant of Uncertain Significance.

This study involves interpretation of variants in research participants for the purpose of population health screening. Participant phenotype was not available at the time of variant classification. Additional details can be found in publication PMID: 35346344, PMCID: PMC8962531

Color Diagnostics, LLC DBA Color Health
Classification: Uncertain significance for Multiple endocrine neoplasia, type 2. Last evaluated: 2023-07-20. Review status: criteria provided, single submitter. Criteria: ACMG Guidelines, 2015. Collection method: clinical testing. Allele origin: germline.
Comment: This missense variant replaces leucine with valine at codon 97 of the RET protein. Computational prediction suggests that this variant may not impact protein structure and function (internally defined REVEL score threshold <= 0.5, PMID: 27666373). To our knowledge, functional studies have not been reported for this variant. This variant has not been reported in individuals affected with RET-related disorders in the literature. This variant has not been identified in the general population by the Genome Aggregation Database (gnomAD). The available evidence is insufficient to determine the role of this variant in disease conclusively. Therefore, this variant is classified as a Variant of Uncertain Significance.

Ambry Genetics
Classification: Uncertain significance for Hereditary cancer-predisposing syndrome. Last evaluated: 2023-03-29. Review status: criteria provided, single submitter. Criteria: Ambry Variant Classification Scheme 2023. Collection method: clinical testing. Allele origin: germline.
Comment: The p.L97V variant (also known as c.289C>G), located in coding exon 2 of the RET gene, results from a C to G substitution at nucleotide position 289. The leucine at codon 97 is replaced by valine, an amino acid with highly similar properties. This amino acid position is conserved. In addition, this alteration is predicted to be tolerated by in silico analysis. Since supporting evidence is limited at this time, the clinical significance of this alteration remains unclear.